The following is an entry in ClinVar:

ClinVar aggregate classification (germline): Uncertain significance (1 of 4 stars; one submission).

Conditions:
Nephrotic syndrome, type 11 (NPHS11). Identifiers: Orphanet 656, MedGen C4225228, MONDO:0014752, OMIM 616730.

Submission:

3billion
Classification: Uncertain significance for Nephrotic syndrome, type 11. Last evaluated: 2024-06-02. Review status: criteria provided, single submitter. Criteria: ACMG Guidelines, 2015. Collection method: clinical testing. Allele origin: germline. Affected: yes.
Comment: The variant is not observed in the gnomAD v4.0.0 dataset. Predicted Consequence/Location: Missense variant In silico tool predictions suggest damaging effect of the variant on gene or gene product [REVEL: 0.88 (>=0.6, sensitivity 0.68 and specificity 0.92); 3Cnet: 0.86 (>=0.6, sensitivity 0.72 and precision 0.9)]. Therefore, this variant is classified as VUS according to the recommendation of ACMG/AMP guideline.

NM_020401.4(NUP107):c.2582T>G (p.Leu861Arg)

Gene: NUP107 (nucleoporin 107; plus strand). Cytogenetic location: 12q15.
Variant type: single nucleotide variant.
Coding change: c.2582T>G on transcript NM_020401.4 (MANE Select); coding-DNA position 2582, T replaced by G.
Protein change: p.Leu861Arg; replaces leucine 861 with arginine.
Molecular consequence: missense variant.
Genome position (GRCh38, 1-based): chr12:68,741,892, T>G. VCF-style: chr12-68741892-T-G. GRCh37 (hg19) VCF-style: chr12-69135672-T-G.
Other names: c.2495T>G, p.Leu832Arg (NM_001330192.2); short protein forms L832R, L861R.
Identifiers: ClinVar variation 4293874 (VCV004293874.1).